The following is an entry in ClinVar:

NM_015156.4(RCOR1):c.1414G>A (p.Asp472Asn)

Genes: RCOR1 (REST corepressor 1; plus strand), LOC126862064 (MED14-independent group 3 enhancer GRCh37_chr14:103188411-103189610; plus strand). Cytogenetic location: 14q32.32.
Variant type: single nucleotide variant.
Coding change: c.1414G>A on transcript NM_015156.4 (MANE Select); coding-DNA position 1414, G replaced by A.
Protein change: p.Asp472Asn; replaces aspartic acid 472 with asparagine.
Molecular consequence: missense variant.
Genome position (GRCh38, 1-based): chr14:102,722,411, G>A. VCF-style: chr14-102722411-G-A. GRCh37 (hg19) VCF-style: chr14-103188748-G-A.
Other names: short protein forms D472N.
Identifiers: ClinVar variation 2860946 (VCV002860946.3), dbSNP rs1208030462, ClinGen allele CA391066801.

ClinVar aggregate classification (germline): Uncertain significance (1 of 4 stars; one submission).

Allele frequency attached by ClinVar (database versions not stated): gnomAD exomes below 0.00001.
gnomAD v4.1: 1 of 1,611,156 alleles (0.000062%); highest among the groups gnomAD compares: Admixed American, 0.0017%; no homozygotes.

Submission:

Labcorp Genetics (formerly Invitae), Labcorp
Classification: Uncertain significance. Last evaluated: 2025-08-15. Review status: criteria provided, single submitter. Criteria: Invitae Variant Classification Sherloc (09022015). Collection method: clinical testing. Allele origin: germline.
Comment: This sequence change replaces aspartic acid, which is acidic and polar, with asparagine, which is neutral and polar, at codon 472 of the RCOR1 protein (p.Asp472Asn). This variant is present in population databases (no rsID available, gnomAD 0.003%). This variant has not been reported in the literature in individuals affected with RCOR1-related conditions. ClinVar contains an entry for this variant (Variation ID: 2860946). An algorithm developed to predict the effect of missense changes on protein structure and function (PolyPhen-2) suggests that this variant is likely to be tolerated. In summary, the available evidence is currently insufficient to determine the role of this variant in disease. Therefore, it has been classified as a Variant of Uncertain Significance.